The following is an entry in ClinVar:

ClinVar aggregate classification (germline): Uncertain significance. Review status: criteria provided, multiple submitters, no conflicts (2 of 4 stars). 2 submissions from 2 submitters: Uncertain significance (2). Last evaluated 2025-09-10.

Conditions:
Familial thoracic aortic aneurysm and aortic dissection (TAAD). Also called: Thoracic aortic aneurysms and dissections. Identifiers: Orphanet 91387, MedGen C4707243, MONDO:0019625.
Aortic aneurysm, familial thoracic 4 (AAT4). Also called: AORTIC ANEURYSM/AORTIC DISSECTION AND PATENT DUCTUS ARTERIOSUS. Identifiers: MedGen C1851504, MONDO:0007568, OMIM 132900.

Submissions (2):

Labcorp Genetics (formerly Invitae), Labcorp
Classification: Uncertain significance for Aortic aneurysm, familial thoracic 4. Last evaluated: 2025-09-10. Review status: criteria provided, single submitter. Criteria: Invitae Variant Classification Sherloc (09022015). Collection method: clinical testing. Allele origin: germline.
Comment: This sequence change replaces leucine, which is neutral and non-polar, with isoleucine, which is neutral and non-polar, at codon 1158 of the MYH11 protein (p.Leu1158Ile). This variant is not present in population databases (gnomAD no frequency). This variant has not been reported in the literature in individuals affected with MYH11-related conditions. ClinVar contains an entry for this variant (Variation ID: 2773825). Invitae Evidence Modeling of protein sequence and biophysical properties (such as structural, functional, and spatial information, amino acid conservation, physicochemical variation, residue mobility, and thermodynamic stability) indicates that this missense variant is not expected to disrupt MYH11 protein function with a negative predictive value of 95%. In summary, the available evidence is currently insufficient to determine the role of this variant in disease. Therefore, it has been classified as a Variant of Uncertain Significance.

Color Diagnostics, LLC DBA Color Health
Classification: Uncertain significance for Familial thoracic aortic aneurysm and aortic dissection. Last evaluated: 2024-03-06. Review status: criteria provided, single submitter. Criteria: ACMG Guidelines, 2015. Collection method: clinical testing. Allele origin: germline.
Comment: This missense variant replaces leucine with isoleucine at codon 1158 of the MYH11 protein. Computational prediction tools indicate that this variant's impact on protein structure and function is inconclusive. To our knowledge, functional studies have not been reported for this variant. This variant has not been reported in individuals affected with MYH11-related disorders in the literature. This variant has not been identified in the general population by the Genome Aggregation Database (gnomAD). The available evidence is insufficient to determine the role of this variant in disease conclusively. Therefore, this variant is classified as a Variant of Uncertain Significance.

NM_002474.3(MYH11):c.3451C>A (p.Leu1151Ile)

Gene: MYH11 (myosin heavy chain 11; minus strand). Cytogenetic location: 16p13.11.
Variant type: single nucleotide variant.
Coding change: c.3451C>A on transcript NM_002474.3 (MANE Select); coding-DNA position 3451, C replaced by A.
Protein change: p.Leu1151Ile; replaces leucine 1151 with isoleucine.
Molecular consequence: missense variant.
Genome position (GRCh38, 1-based): chr16:15,735,421, G>T on the plus strand (C>A on the coding strand, the complement: MYH11 is on the minus strand). VCF-style: chr16-15735421-G-T. GRCh37 (hg19) VCF-style: chr16-15829278-G-T.
Other names: c.3451C>A, p.Leu1151Ile (NM_022844.3); c.3472C>A, p.Leu1158Ile (NM_001040113.2, NM_001040114.2); short protein forms L1151I, L1158I.
Identifiers: ClinVar variation 2773825 (VCV002773825.3), dbSNP rs2506176937, ClinGen allele CA394861845.